The following is an entry in ClinVar:

ClinVar aggregate classification (germline): Uncertain significance (1 of 4 stars; one submission).

Allele frequency attached by ClinVar (database versions not stated): gnomAD 0.00001.

Submission:

GeneDx
Classification: Uncertain significance. Last evaluated: 2017-10-20. Review status: criteria provided, single submitter. Criteria: GeneDx Variant Classification (06012015). Collection method: clinical testing. Allele origin: germline. Affected: yes.
Comment: The P757S variant in the ATP2B3 gene has not been reported previously as a pathogenic variant, nor as a benign variant, to our knowledge. The P757S variant is not observed in large population cohorts (Lek et al., 2016). The P757S variant is a non-conservative amino acid substitution, which is likely to impact secondary protein structure as these residues differ in polarity, charge, size and/or other properties. This substitution occurs at a position that is conserved across species, and in silico analysis predicts this variant is probably damaging to the protein structure/function. We interpret P757S as a variant of uncertain significance.

NM_001001344.3(ATP2B3):c.2269C>T (p.Pro757Ser)

Gene: ATP2B3 (ATPase plasma membrane Ca2+ transporting 3; plus strand). Cytogenetic location: Xq28.
Variant type: single nucleotide variant.
Coding change: c.2269C>T on transcript NM_001001344.3 (MANE Select); coding-DNA position 2269, C replaced by T.
Protein change: p.Pro757Ser; replaces proline 757 with serine.
Molecular consequence: missense variant.
Genome position (GRCh38, 1-based): chrX:153,556,361, C>T. VCF-style: chrX-153556361-C-T. GRCh37 (hg19) VCF-style: chrX-152821819-C-T.
Other names: c.2269C>T, p.Pro757Ser (NM_001388360.1, NM_001388361.1, NM_001388362.1 and 1 more transcripts); short protein forms P757S.
Identifiers: ClinVar variation 452872 (VCV000452872.2), dbSNP rs1053368023, ClinGen allele CA337211958.